The following is an entry in ClinVar:

ClinVar aggregate classification (germline): Uncertain significance (1 of 4 stars; one submission).

Conditions:
Epilepsy, familial adult myoclonic, 5 (EPEO5). Also called: CORTICAL MYOCLONIC TREMOR WITH EPILEPSY, FAMILIAL, 5. Identifiers: Orphanet 86814, MedGen C3809374, MONDO:0014167, OMIM 615400.

Allele frequency attached by ClinVar (database versions not stated): gnomAD exomes 0.00002; ExAC 0.00003; TOPMed 0.00013.
gnomAD v4.1: 40 of 1,609,364 alleles (0.0025%); highest among the groups gnomAD compares: African/African-American, 0.036%; no homozygotes.

Submission:

Labcorp Genetics (formerly Invitae), Labcorp
Classification: Uncertain significance for Epilepsy, familial adult myoclonic, 5. Last evaluated: 2022-09-07. Review status: criteria provided, single submitter. Criteria: Invitae Variant Classification Sherloc (09022015). Collection method: clinical testing. Allele origin: germline.
Comment: This sequence change replaces arginine, which is basic and polar, with tryptophan, which is neutral and slightly polar, at codon 270 of the CNTN2 protein (p.Arg270Trp). This variant is present in population databases (rs781526005, gnomAD 0.02%). This variant has not been reported in the literature in individuals affected with CNTN2-related conditions. ClinVar contains an entry for this variant (Variation ID: 1346388). Advanced modeling of protein sequence and biophysical properties (such as structural, functional, and spatial information, amino acid conservation, physicochemical variation, residue mobility, and thermodynamic stability) performed at Invitae indicates that this missense variant is not expected to disrupt CNTN2 protein function. In summary, the available evidence is currently insufficient to determine the role of this variant in disease. Therefore, it has been classified as a Variant of Uncertain Significance.

NM_005076.5(CNTN2):c.808C>T (p.Arg270Trp)

Gene: CNTN2 (contactin 2; plus strand). Cytogenetic location: 1q32.1.
Variant type: single nucleotide variant.
Coding change: c.808C>T on transcript NM_005076.5 (MANE Select); coding-DNA position 808, C replaced by T.
Protein change: p.Arg270Trp; replaces arginine 270 with tryptophan.
Molecular consequence: missense variant. On other transcripts: non-coding transcript variant (1).
Genome position (GRCh38, 1-based): chr1:205,061,255, C>T. VCF-style: chr1-205061255-C-T. GRCh37 (hg19) VCF-style: chr1-205030383-C-T.
Other names: c.808C>T, p.Arg270Trp (NM_001346083.2); short protein forms R270W.
Identifiers: ClinVar variation 1346388 (VCV001346388.3), dbSNP rs781526005, ClinGen allele CA1351169.